The following is an entry in ClinVar:

NM_006118.4(HAX1):c.563A>G (p.Asp188Gly)

Gene: HAX1 (HCLS1 associated protein X-1; plus strand). Cytogenetic location: 1q21.3.
Variant type: single nucleotide variant.
Coding change: c.563A>G on transcript NM_006118.4 (MANE Select); coding-DNA position 563, A replaced by G.
Protein change: p.Asp188Gly; replaces aspartic acid 188 with glycine.
Molecular consequence: missense variant.
Genome position (GRCh38, 1-based): chr1:154,275,160, A>G. VCF-style: chr1-154275160-A-G. GRCh37 (hg19) VCF-style: chr1-154247636-A-G.
Other names: c.419A>G, p.Asp140Gly (NM_001018837.2); short protein forms D140G, D188G.
Identifiers: ClinVar variation 4826679 (VCV004826679.1).

ClinVar aggregate classification (germline): Uncertain significance (1 of 4 stars; one submission).

Conditions:
Inborn genetic diseases. Identifiers: MedGen C0950123, MeSH D030342.

Submission:

Ambry Genetics
Classification: Uncertain significance for Inborn genetic diseases. Last evaluated: 2026-02-24. Review status: criteria provided, single submitter. Criteria: Ambry Variant Classification Scheme 2023. Collection method: clinical testing. Allele origin: germline.
Comment: The p.D188G variant (also known as c.563A>G), located in coding exon 5 of the HAX1 gene, results from an A to G substitution at nucleotide position 563. The aspartic acid at codon 188 is replaced by glycine, an amino acid with similar properties. This amino acid position is conserved. In addition, this alteration is predicted to be deleterious by in silico analysis. Based on the available evidence, the clinical significance of this variant remains unclear.